The following is an entry in ClinVar:

NM_001197104.2(KMT2A):c.8254G>A (p.Gly2752Arg)

Gene: KMT2A (lysine methyltransferase 2A; plus strand). Cytogenetic location: 11q23.3.
Variant type: single nucleotide variant.
Coding change: c.8254G>A on transcript NM_001197104.2 (MANE Select); coding-DNA position 8254, G replaced by A.
Protein change: p.Gly2752Arg; replaces glycine 2752 with arginine.
Molecular consequence: missense variant.
Genome position (GRCh38, 1-based): chr11:118,504,146, G>A. VCF-style: chr11-118504146-G-A. GRCh37 (hg19) VCF-style: chr11-118374861-G-A.
Other names: c.8344G>A, p.Gly2782Arg (NM_001412597.1); c.8245G>A, p.Gly2749Arg (NM_005933.4); short protein forms G2749R, G2752R, G2782R.
Identifiers: ClinVar variation 4800561 (VCV004800561.1).

ClinVar aggregate classification (germline): Uncertain significance (1 of 4 stars; one submission).

Submission:

Labcorp Genetics (formerly Invitae), Labcorp
Classification: Uncertain significance. Last evaluated: 2025-07-14. Review status: criteria provided, single submitter. Criteria: Invitae Variant Classification Sherloc (09022015). Collection method: clinical testing. Allele origin: germline.
Comment: This sequence change replaces glycine, which is neutral and non-polar, with arginine, which is basic and polar, at codon 2752 of the KMT2A protein (p.Gly2752Arg). This variant is not present in population databases (gnomAD no frequency). This variant has not been reported in the literature in individuals affected with KMT2A-related conditions. Invitae Evidence Modeling of protein sequence and biophysical properties (such as structural, functional, and spatial information, amino acid conservation, physicochemical variation, residue mobility, and thermodynamic stability) indicates that this missense variant is not expected to disrupt KMT2A protein function with a negative predictive value of 95%. In summary, the available evidence is currently insufficient to determine the role of this variant in disease. Therefore, it has been classified as a Variant of Uncertain Significance.